The following is an entry in ClinVar:

ClinVar aggregate classification (germline): Likely benign (1 of 4 stars; one submission).

Submission:

CeGaT Center for Human Genetics Tuebingen
Classification: Likely benign. Last evaluated: 2023-04-01. Review status: criteria provided, single submitter. Criteria: CeGaT Center For Human Genetics Tuebingen Variant Classification Criteria Version 2. Collection method: clinical testing. Allele origin: germline. Affected: yes. Observed: 1 variant allele.
Comment: LRRK2: BP4

NM_198578.4(LRRK2):c.3778-7del

Gene: LRRK2 (leucine rich repeat kinase 2; plus strand). Cytogenetic location: 12q12.
Variant type: Deletion.
Coding change: c.3778-7del on transcript NM_198578.4 (MANE Select); 7 bases into the intron before coding-DNA position 3778, one base deleted (C; older notation c.3778-7delC).
Molecular consequence: intron variant.
Genome position (GRCh38, 1-based): chr12:40,305,778, C deleted; the last of 3 consecutive C bases (chr12:40,305,776-40,305,778); deleting any one gives the same sequence. VCF-style (leftmost placement, unchanged base first): chr12-40305775-TC-T. GRCh37 (hg19) VCF-style: chr12-40699577-TC-T.
Identifiers: ClinVar variation 2570826 (VCV002570826.27), dbSNP rs374558552, ClinGen allele CA6514019.
Genomic context (GRCh38, chr12:40,305,775, plus strand): 5'-ATCACGTTTTTTGGCAGAGCACATTTCTTCCTTCCCACCAACAGGTTTTGCCCTTTTTTT[TC>T]CCATTAAGATTCCTCCTGAGATTGGCTGTCTTGAAAATCTGACATCTCTGGATGTCAGTT-3'